The following is an entry in ClinVar:

NM_006739.4(MCM5):c.2140C>T (p.Leu714Phe)

Gene: MCM5 (minichromosome maintenance complex component 5; plus strand). Cytogenetic location: 22q12.3.
Variant type: single nucleotide variant.
Coding change: c.2140C>T on transcript NM_006739.4 (MANE Select); coding-DNA position 2140, C replaced by T.
Protein change: p.Leu714Phe; replaces leucine 714 with phenylalanine.
Molecular consequence: missense variant.
Genome position (GRCh38, 1-based): chr22:35,424,190, C>T. VCF-style: chr22-35424190-C-T. GRCh37 (hg19) VCF-style: chr22-35820183-C-T.
Other names: short protein forms L714F.
Identifiers: ClinVar variation 2845198 (VCV002845198.3), dbSNP rs2517913636, ClinGen allele CA411351160.

ClinVar aggregate classification (germline): Uncertain significance (1 of 4 stars; one submission).

Submission:

Labcorp Genetics (formerly Invitae), Labcorp
Classification: Uncertain significance. Last evaluated: 2023-03-12. Review status: criteria provided, single submitter. Criteria: Invitae Variant Classification Sherloc (09022015). Collection method: clinical testing. Allele origin: germline.
Comment: This variant is not present in population databases (gnomAD no frequency). In summary, the available evidence is currently insufficient to determine the role of this variant in disease. Therefore, it has been classified as a Variant of Uncertain Significance. An algorithm developed to predict the effect of missense changes on protein structure and function (PolyPhen-2) suggests that this variant is likely to be tolerated. This variant has not been reported in the literature in individuals affected with MCM5-related conditions. This sequence change replaces leucine, which is neutral and non-polar, with phenylalanine, which is neutral and non-polar, at codon 714 of the MCM5 protein (p.Leu714Phe).